The following is an entry in ClinVar:

NM_000179.3(MSH6):c.3518dup (p.Phe1174fs)

Gene: MSH6 (mutS homolog 6; plus strand). Cytogenetic location: 2p16.3.
Variant type: Duplication.
Coding change: c.3518dup on transcript NM_000179.3 (MANE Select); coding-DNA position 3518, one base duplicated (T; older notation c.3518dupT).
Protein change: p.Phe1174fs; shifts the reading frame from phenylalanine 1174.
Molecular consequence: frameshift variant.
Genome position (GRCh38, 1-based): chr2:47,804,989, T duplicated. VCF-style (leftmost placement, unchanged base first): chr2-47804988-G-GT. GRCh37 (hg19) VCF-style: chr2-48032127-G-GT.
Other names: c.3128dup, p.Phe1044fs (NM_001281492.2); c.2612dup, p.Phe872fs (NM_001281493.2, NM_001281494.2); c.3614dup, p.Phe1206Valfs (NM_001406795.1, NM_001406802.1); c.3518dup, p.Phe1174Valfs (NM_001406796.1, NM_001406800.1, NM_001406808.1 and 1 more transcripts); c.3221dup, p.Phe1075Valfs (NM_001406797.1, NM_001406801.1, NM_001406805.1 and 10 more transcripts); c.3344dup, p.Phe1116Valfs (NM_001406798.1); c.2993dup, p.Phe999Valfs (NM_001406799.1, NM_001406806.1, NM_001406807.1); c.2654dup, p.Phe886Valfs (NM_001406803.1); and 8 more; short protein forms F1044fs, F1174fs, F872fs.
Identifiers: ClinVar variation 2017704 (VCV002017704.5), dbSNP rs2530804487, ClinGen allele CA2580067186.

ClinVar aggregate classification (germline): Pathogenic/Likely pathogenic. Review status: criteria provided, multiple submitters, no conflicts (2 of 4 stars). 2 submissions from 2 submitters: Pathogenic (1); Likely pathogenic (1). Last evaluated 2024-03-27.

Conditions:
Endometrial carcinoma. Also called: Endometrial carcinoma, somatic. Identifiers: MedGen C0476089, MONDO:0002447, OMIM 608089, HP:0012114.
Hereditary nonpolyposis colorectal neoplasms. Identifiers: MedGen C0009405, MeSH D003123.

Submissions (2):

Labcorp Genetics (formerly Invitae), Labcorp
Classification: Pathogenic for Hereditary nonpolyposis colorectal neoplasms. Last evaluated: 2024-03-27. Review status: criteria provided, single submitter. Criteria: Invitae Variant Classification Sherloc (09022015). Collection method: clinical testing. Allele origin: germline.
Comment: This sequence change creates a premature translational stop signal (p.Phe1174Valfs*3) in the MSH6 gene. It is expected to result in an absent or disrupted protein product. Loss-of-function variants in MSH6 are known to be pathogenic (PMID: 18269114, 24362816). This variant is not present in population databases (gnomAD no frequency). This variant has not been reported in the literature in individuals affected with MSH6-related conditions. ClinVar contains an entry for this variant (Variation ID: 2017704). For these reasons, this variant has been classified as Pathogenic.

Baylor Genetics
Classification: Likely pathogenic for Endometrial carcinoma. Last evaluated: 2022-10-17. Review status: criteria provided, single submitter. Criteria: ACMG Guidelines, 2015. Collection method: clinical testing. Allele origin: unknown.

Literature cited by the submitters: PubMed 18269114 (cited by Labcorp Genetics (formerly Invitae), Labcorp); PubMed 24362816 (cited by Labcorp Genetics (formerly Invitae), Labcorp).